The following is an entry in ClinVar:

NM_000536.4(RAG2):c.431T>C (p.Val144Ala)

Gene: RAG2 (recombination activating 2; minus strand). Cytogenetic location: 11p12.
Variant type: single nucleotide variant.
Coding change: c.431T>C on transcript NM_000536.4 (MANE Select); coding-DNA position 431, T replaced by C.
Protein change: p.Val144Ala; replaces valine 144 with alanine.
Molecular consequence: missense variant.
Genome position (GRCh38, 1-based): chr11:36,593,738, A>G on the plus strand (T>C on the coding strand, the complement: RAG2 is on the minus strand). VCF-style: chr11-36593738-A-G. GRCh37 (hg19) VCF-style: chr11-36615288-A-G.
Other names: c.431T>C, p.Val144Ala (NM_001243785.2, NM_001243786.2); short protein forms V144A.
Identifiers: ClinVar variation 860265 (VCV000860265.5), dbSNP rs1851090348, ClinGen allele CA380143102.

ClinVar aggregate classification (germline): Uncertain significance. Review status: criteria provided, multiple submitters, no conflicts (2 of 4 stars). 3 submissions from 3 submitters: Uncertain significance (2). 1 of the submissions does not count toward it. Last evaluated 2026-01-23.

Conditions:
Histiocytic medullary reticulosis. Also called: SEVERE COMBINED IMMUNODEFICIENCY WITH HYPEREOSINOPHILIA; Omenn syndrome. Identifiers: Orphanet 39041, MedGen C2700553, MONDO:0011338, OMIM 603554.
Severe combined immunodeficiency, autosomal recessive, T cell-negative, B cell-negative, NK cell-positive. Also called: SCID, T CELL-NEGATIVE, B CELL-NEGATIVE, NK CELL-POSITIVE; SCID, AR, T-cell negative, B-cell negative, NK cell-positive; Severe combined immunodeficiency due to complete RAG1/2 deficiency. Identifiers: Orphanet 331206, MedGen C1832322, MONDO:0011086, OMIM 601457.
Combined immunodeficiency with skin granulomas. Identifiers: Orphanet 157949, MedGen C2673536, MONDO:0009306, OMIM 233650.

Allele frequency attached by ClinVar (database versions not stated): gnomAD 0.00002 and 0.00003; TOPMed 0.00003.
gnomAD v4.1: 4 of 1,614,096 alleles (0.00025%); highest among the groups gnomAD compares: Admixed American, 0.0033%; no homozygotes.

Submissions (3):

Women's Health and Genetics/Laboratory Corporation of America, LabCorp
Classification: Uncertain significance. Last evaluated: 2026-01-23. Review status: criteria provided, single submitter. Criteria: LabCorp Variant Classification Summary - May 2015. Collection method: clinical testing. Allele origin: germline.

Labcorp Genetics (formerly Invitae), Labcorp
Classification: Uncertain significance for Combined immunodeficiency with skin granulomas; Severe combined immunodeficiency, autosomal recessive, T cell-negative, B cell-negative, NK cell-positive. Last evaluated: 2022-08-31. Review status: criteria provided, single submitter. Criteria: Invitae Variant Classification Sherloc (09022015). Collection method: clinical testing. Allele origin: germline.
Comment: This sequence change replaces valine, which is neutral and non-polar, with alanine, which is neutral and non-polar, at codon 144 of the RAG2 protein (p.Val144Ala). This variant is not present in population databases (gnomAD no frequency). This variant has not been reported in the literature in individuals affected with RAG2-related conditions. ClinVar contains an entry for this variant (Variation ID: 860265). Algorithms developed to predict the effect of missense changes on protein structure and function are either unavailable or do not agree on the potential impact of this missense change (SIFT: "Deleterious"; PolyPhen-2: "Probably Damaging"; Align-GVGD: "Class C0"). In summary, the available evidence is currently insufficient to determine the role of this variant in disease. Therefore, it has been classified as a Variant of Uncertain Significance.

Natera, Inc.
Classification: Uncertain significance for Omenn syndrome. Last evaluated: 2020-03-10. Review status: no assertion criteria provided. Collection method: clinical testing. Allele origin: germline. Not counted in ClinVar's aggregate classification.